The following is an entry in ClinVar:

ClinVar aggregate classification (germline): Uncertain significance (1 of 4 stars; one submission).

Conditions:
GLIS3-related disorder. Also called: GLIS3-related condition.

gnomAD v4.1: 5 of 1,605,794 alleles (0.00031%); highest among the groups gnomAD compares: African/African-American, 0.0054%; no homozygotes.

Submission:

PreventionGenetics, part of Exact Sciences
Classification: Uncertain significance for GLIS3-related condition. Last evaluated: 2026-08-04. Review status: criteria provided, single submitter. Criteria: ACMG Guidelines, 2015. Collection method: clinical testing. Allele origin: germline.
Comment: The GLIS3 c.1465G>T variant is predicted to result in the amino acid substitution p.Asp489Tyr. To our knowledge, this variant has not been reported in the literature. This variant is reported in 0.012% of alleles in individuals of African descent in gnomAD. At this time, the clinical significance of this variant is uncertain due to the absence of conclusive functional and genetic evidence.

NM_001042413.2(GLIS3):c.1465G>T (p.Asp489Tyr)

Gene: GLIS3 (GLIS family zinc finger 3; minus strand). Cytogenetic location: 9p24.2.
Variant type: single nucleotide variant.
Coding change: c.1465G>T on transcript NM_001042413.2 (MANE Select); coding-DNA position 1465, G replaced by T.
Protein change: p.Asp489Tyr; replaces aspartic acid 489 with tyrosine.
Molecular consequence: missense variant.
Genome position (GRCh38, 1-based): chr9:4,118,013, C>A on the plus strand (G>T on the coding strand, the complement: GLIS3 is on the minus strand). VCF-style: chr9-4118013-C-A. GRCh37 (hg19) VCF-style: chr9-4118013-C-A.
Other names: c.1465G>T, p.Asp489Tyr (NM_001438906.1, NM_001438907.1, NM_001438908.1 and 2 more transcripts); c.1000G>T, p.Asp334Tyr (NM_001438909.1, NM_001438915.1, NM_152629.4); c.799G>T, p.Asp267Tyr (NM_001438911.1, NM_001438912.1, NM_001438916.1); short protein forms D267Y, D334Y, D489Y.
Identifiers: ClinVar variation 4979983 (VCV004979983.1).